The following is an entry in ClinVar:

NM_002354.3(EPCAM):c.71A>G (p.Gln24Arg)

Gene: EPCAM (epithelial cell adhesion molecule; plus strand). Cytogenetic location: 2p21.
Variant type: single nucleotide variant.
Coding change: c.71A>G on transcript NM_002354.3 (MANE Select); coding-DNA position 71, A replaced by G.
Protein change: p.Gln24Arg; replaces glutamine 24 with arginine.
Molecular consequence: missense variant.
Genome position (GRCh38, 1-based): chr2:47,369,576, A>G. VCF-style: chr2-47369576-A-G. GRCh37 (hg19) VCF-style: chr2-47596715-A-G.
Other names: short protein forms Q24R.
Identifiers: ClinVar variation 2452158 (VCV002452158.2), dbSNP rs763055107, ClinGen allele CA1648811.
Genomic context (GRCh38, chr2:47,369,576, plus strand): 5'-CGCAGGTCCTCGCGTTCGGGCTTCTGCTTGCCGCGGCGACGGCGACTTTTGCCGCAGCTC[A>G]GGAAGGTGAGGCGCGGATTGGAGCAGAGTTGTGGAGCTGGGCTGGGCTGGGGGGCAGCGG-3'
Protein context (NP_002345.2, residues 14-34): AAATATFAAA[Gln24Arg]EECVCENYKL

ClinVar aggregate classification (germline): Uncertain significance (1 of 4 stars; one submission).

Conditions:
Hereditary cancer-predisposing syndrome. Also called: Neoplastic Syndromes, Hereditary; Tumor predisposition; Hereditary neoplastic syndrome; Hereditary Cancer Syndrome. Identifiers: Orphanet 140162, MedGen C0027672, MeSH D009386, MONDO:0015356.

Allele frequency attached by ClinVar (database versions not stated): ExAC 0.00003.

Submission:

Ambry Genetics
Classification: Uncertain significance for Hereditary cancer-predisposing syndrome. Last evaluated: 2023-01-01. Review status: criteria provided, single submitter. Criteria: Ambry Variant Classification Scheme 2023. Collection method: clinical testing. Allele origin: germline.
Comment: The p.Q24R variant (also known as c.71A>G), located in coding exon 1 of the EPCAM gene, results from an A to G substitution at nucleotide position 71. The glutamine at codon 24 is replaced by arginine, an amino acid with highly similar properties. This amino acid position is conserved. In addition, this alteration is predicted to be tolerated by in silico analysis. Since supporting evidence is limited at this time, the clinical significance of this alteration remains unclear.